The following is an entry in ClinVar:

NM_000136.3(FANCC):c.472G>C (p.Ala158Pro)

Gene: FANCC (FA complementation group C; minus strand). Cytogenetic location: 9q22.32.
Variant type: single nucleotide variant.
Coding change: c.472G>C on transcript NM_000136.3 (MANE Select); coding-DNA position 472, G replaced by C.
Protein change: p.Ala158Pro; replaces alanine 158 with proline.
Molecular consequence: missense variant.
Genome position (GRCh38, 1-based): chr9:95,171,128, C>G on the plus strand (G>C on the coding strand, the complement: FANCC is on the minus strand). VCF-style: chr9-95171128-C-G. GRCh37 (hg19) VCF-style: chr9-97933410-C-G.
Other names: c.472G>C, p.Ala158Pro (NM_001243743.2, NM_001243744.2); short protein forms A158P.
Identifiers: ClinVar variation 234311 (VCV000234311.33), dbSNP rs372338418, ClinGen allele CA10577378.

ClinVar aggregate classification (germline): Conflicting classifications of pathogenicity. Review status: criteria provided, conflicting classifications (1 of 4 stars). 9 submissions from 9 submitters: Uncertain significance (5); Likely benign (1). 3 of the submissions do not count toward it. Last evaluated 2025-10-13.

Conditions:
FANCC-related disorder. Also called: FANCC-related condition.
Familial ovarian cancer. Identifiers: MedGen C5679802, MONDO:0016248.
Fanconi anemia complementation group C (FANCC). Also called: FANCONI PANCYTOPENIA, TYPE 3; FACC; FANCC-Related Fanconi Anemia; Fanconi anemia, group C. Identifiers: Orphanet 84, MedGen C3468041, MONDO:0009213, OMIM 227645.
Hereditary cancer-predisposing syndrome. Also called: Neoplastic Syndromes, Hereditary; Tumor predisposition; Hereditary Cancer Syndrome; Hereditary neoplastic syndrome. Identifiers: Orphanet 140162, MedGen C0027672, MeSH D009386, MONDO:0015356.
Fanconi anemia (FA). Also called: Fanconi's anemia. Identifiers: Orphanet 84, MedGen C0015625, MeSH D005199, MONDO:0019391.

Allele frequency attached by ClinVar (database versions not stated): TOPMed 0.00002; gnomAD 0.00001; gnomAD exomes 0.00001.
gnomAD v4.1: 20 of 1,613,246 alleles (0.0012%); highest among the groups gnomAD compares: East Asian, 0.011%; no homozygotes.

Submissions (9):

Labcorp Genetics (formerly Invitae), Labcorp
Classification: Uncertain significance for Fanconi anemia. Last evaluated: 2025-10-13. Review status: criteria provided, single submitter. Criteria: Invitae Variant Classification Sherloc (09022015). Collection method: clinical testing. Allele origin: germline.
Comment: This sequence change replaces alanine, which is neutral and non-polar, with proline, which is neutral and non-polar, at codon 158 of the FANCC protein (p.Ala158Pro). This variant is present in population databases (rs372338418, gnomAD 0.006%). This variant has not been reported in the literature in individuals affected with FANCC-related conditions. ClinVar contains an entry for this variant (Variation ID: 234311). Invitae Evidence Modeling of protein sequence and biophysical properties (such as structural, functional, and spatial information, amino acid conservation, physicochemical variation, residue mobility, and thermodynamic stability) indicates that this missense variant is not expected to disrupt FANCC protein function with a negative predictive value of 80%. In summary, the available evidence is currently insufficient to determine the role of this variant in disease. Therefore, it has been classified as a Variant of Uncertain Significance.

GeneDx
Classification: Uncertain significance. Last evaluated: 2025-08-18. Review status: criteria provided, single submitter. Criteria: GeneDx Variant Classification Process June 2021. Collection method: clinical testing. Allele origin: germline. Affected: yes.
Comment: Not observed at significant frequency in large population cohorts (gnomAD); In silico analysis suggests that this missense variant does not alter protein structure/function; This variant is associated with the following publications: (PMID: Gordon2000[Book], 33471991, 32885271)

Fulgent Genetics
Classification: Uncertain significance for Fanconi anemia complementation group C. Last evaluated: 2024-05-02. Review status: criteria provided, single submitter. Criteria: ACMG Guidelines, 2015. Collection method: clinical testing. Allele origin: germline.

Ambry Genetics
Classification: Likely benign for Hereditary cancer-predisposing syndrome. Last evaluated: 2024-01-11. Review status: criteria provided, single submitter. Criteria: Ambry Variant Classification Scheme 2023. Collection method: clinical testing. Allele origin: germline.

Quest Diagnostics Nichols Institute San Juan Capistrano
Classification: Uncertain significance. Last evaluated: 2023-09-14. Review status: criteria provided, single submitter. Criteria: Quest Diagnostics criteria. Collection method: clinical testing. Allele origin: unknown.
Comment: In the published literature, this variant has been reported in individuals with breast cancer (PMID: 33471991 (2021), see also LOVD, 32885271 (2021)), and ovarian cancer (PMID: 32885271 (2021)). It is also reported in unaffected individuals (PMID: 33471991 (2021), see also LOVD). The frequency of this variant in the general population, 0.000008 (2/251148 chromosomes (Genome Aggregation Database)), is uninformative in the assessment of its pathogenicity. Analysis of this variant using bioinformatics tools for the prediction of the effect of amino acid changes on protein structure and function yielded conflicting predictions that this variant is benign or damaging. Based on the available information, we are unable to determine the clinical significance of this variant.

Revvity Omics, Revvity
Classification: Uncertain significance for Fanconi anemia complementation group C. Last evaluated: 2022-08-01. Review status: criteria provided, single submitter. Criteria: ACMG Guidelines, 2015. Collection method: clinical testing. Allele origin: germline.

PreventionGenetics, part of Exact Sciences
Classification: Uncertain significance for FANCC-related condition. Last evaluated: 2024-08-07. Review status: no assertion criteria provided. Collection method: clinical testing. Allele origin: germline. Not counted in ClinVar's aggregate classification.
Comment: The FANCC c.472G>C variant is predicted to result in the amino acid substitution p.Ala158Pro. This variant was identified in two patients undergoing testing for hereditary breast and ovarian cancer (Lerner-Ellis et al. 2020. PubMed ID: 32885271), as well as in five individuals with breast cancer and two healthy control individuals (Breast Cancer Association Consortium et al. 2021. PubMed ID: 33471991). This variant is reported in 0.0054% of alleles in individuals of East Asian descent in gnomAD and has been interpreted as either likely benign or uncertain in ClinVar. At this time, the clinical significance of this variant is uncertain due to the absence of conclusive functional and genetic evidence.

Natera, Inc.
Classification: Uncertain significance for Fanconi anemia. Last evaluated: 2017-03-27. Review status: no assertion criteria provided. Collection method: clinical testing. Allele origin: germline. Not counted in ClinVar's aggregate classification.

Department of Pathology and Laboratory Medicine, Sinai Health System
Classification: Uncertain significance for Familial ovarian cancer. Review status: no assertion criteria provided. Collection method: clinical testing. Allele origin: unknown. Affected: yes. Observed: 1 variant allele. Study: The Canadian Open Genetics Repository (COGR). Not counted in ClinVar's aggregate classification.
Comment: The FANCC p.Ala158Pro variant was not identified in the literature nor was it identified in the Cosmic, MutDB, or LOVD 3.0 databases. The variant was identified in dbSNP (ID: rs372338418) as "With Uncertain significance allele" and ClinVar (classified as uncertain significance by GeneDx, Invitae, and Ambry Genetics). The variant was identified in control databases in 2 of 245948 chromosomes at a frequency of 0.000008 (Genome Aggregation Database Feb 27, 2017). The variant was observed in the following populations: Latino in 1 of 33540 chromosomes (freq: 0.00003) and East Asian in 1 of 17212 chromosomes (freq: 0.00006), while the variant was not observed in the African, Other, European, Ashkenazi Jewish, Finnish, or South Asian populations. The p.Ala158 residue is not conserved in mammals and computational analyses (PolyPhen-2, SIFT, AlignGVGD, BLOSUM, MutationTaster) provide inconsistent predictions regarding the impact to the protein; this information is not very predictive of pathogenicity. The variant occurs outside of the splicing consensus sequence and 2 of 4 in silico or computational prediction software programs (SpliceSiteFinder, MaxEntScan, NNSPLICE, GeneSplicer) predict a greater than 10% difference in splicing; this is not very predictive of pathogenicity. In summary, based on the above information, the clinical significance of this variant cannot be determined with certainty at this time. This variant is classified as a variant of uncertain significance.

Literature cited by the submitters: PubMed 32885271 (cited by Ambry Genetics and Quest Diagnostics Nichols Institute San Juan Capistrano); PubMed 33471991 (cited by Quest Diagnostics Nichols Institute San Juan Capistrano).